The following is an entry in ClinVar:

ClinVar aggregate classification (germline): Uncertain significance (1 of 4 stars; one submission).

Conditions:
Juvenile polyposis syndrome (JPS). Identifiers: Orphanet 2929, MedGen C0345893, MONDO:0017380, OMIM 174900.

Submission:

Labcorp Genetics (formerly Invitae), Labcorp
Classification: Uncertain significance for Juvenile polyposis syndrome. Last evaluated: 2023-02-26. Review status: criteria provided, single submitter. Criteria: Invitae Variant Classification Sherloc (09022015). Collection method: clinical testing. Allele origin: germline.
Comment: This sequence change replaces isoleucine, which is neutral and non-polar, with serine, which is neutral and polar, at codon 234 of the BMPR1A protein (p.Ile234Ser). This variant is not present in population databases (gnomAD no frequency). This variant has not been reported in the literature in individuals affected with BMPR1A-related conditions. Advanced modeling of protein sequence and biophysical properties (such as structural, functional, and spatial information, amino acid conservation, physicochemical variation, residue mobility, and thermodynamic stability) has been performed at Invitae for this missense variant, however the output from this modeling did not meet the statistical confidence thresholds required to predict the impact of this variant on BMPR1A protein function. In summary, the available evidence is currently insufficient to determine the role of this variant in disease. Therefore, it has been classified as a Variant of Uncertain Significance.

NM_004329.3(BMPR1A):c.701T>G (p.Ile234Ser)

Gene: BMPR1A (bone morphogenetic protein receptor type 1A; plus strand). Cytogenetic location: 10q23.2.
Variant type: single nucleotide variant.
Coding change: c.701T>G on transcript NM_004329.3 (MANE Select); coding-DNA position 701, T replaced by G.
Protein change: p.Ile234Ser; replaces isoleucine 234 with serine.
Molecular consequence: missense variant. On other transcripts: non-coding transcript variant (3).
Genome position (GRCh38, 1-based): chr10:86,917,159, T>G. VCF-style: chr10-86917159-T-G. GRCh37 (hg19) VCF-style: chr10-88676916-T-G.
Other names: c.701T>G, p.Ile234Ser (NM_001406581.1, NM_001406582.1, NM_001406561.1 and 19 more transcripts); c.695T>G, p.Ile232Ser (NM_001406583.1); c.617T>G, p.Ile206Ser (NM_001406584.1, NM_001406585.1, NM_001406586.1 and 2 more transcripts); c.359T>G, p.Ile120Ser (NM_001406589.1); c.776T>G, p.Ile259Ser (NM_001406559.1); c.749T>G, p.Ile250Ser (NM_001406560.1); short protein forms I206S, I250S, I232S, I259S, I120S, I234S.
Identifiers: ClinVar variation 2841183 (VCV002841183.3), dbSNP rs2539602658, ClinGen allele CA377457038.